The following is an entry in ClinVar:

ClinVar aggregate classification (germline): Conflicting classifications of pathogenicity. Review status: criteria provided, conflicting classifications (1 of 4 stars). 3 submissions from 3 submitters: Pathogenic (1); Likely pathogenic (1); Uncertain significance (1). Last evaluated 2024-05-07.

Conditions:
Congenital hyperammonemia, type I. Also called: Carbamoyl phosphate synthetase 1 deficiency; Hyperammonemia due to carbamoyl phosphate synthetase 1 deficiency; CPS 1 deficiency; Carbamyl phosphate synthetase (CPS) deficiency; Carbamoyl phosphate synthetase I deficiency disease; Carbamoyl-phosphate synthase I deficiency. Identifiers: Orphanet 147, MedGen C4082171, MONDO:0009376, OMIM 237300.
Pulmonary hypertension, neonatal, susceptibility to (PHN). Identifiers: MedGen C3714958, MONDO:0014151, OMIM 615371.

Allele frequency attached by ClinVar (database versions not stated): TOPMed 0.00002.
gnomAD v4.1: 21 of 1,611,718 alleles (0.0013%); highest among the groups gnomAD compares: African/African-American, 0.0094%; no homozygotes.

Submissions (3):

Fulgent Genetics
Classification: Likely pathogenic for Congenital hyperammonemia, type I; Pulmonary hypertension, neonatal, susceptibility to. Last evaluated: 2024-05-07. Review status: criteria provided, single submitter. Criteria: ACMG Guidelines, 2015. Collection method: clinical testing. Allele origin: germline.

Women's Health and Genetics/Laboratory Corporation of America, LabCorp
Classification: Uncertain significance. Last evaluated: 2024-04-30. Review status: criteria provided, single submitter. Criteria: LabCorp Variant Classification Summary - May 2015. Collection method: clinical testing. Allele origin: germline.
Comment: Variant summary: CPS1 c.2407C>A (p.Arg803Ser) results in a non-conservative amino acid change located in the Carbamoyl-phosphate synthase large subunit, CPSase domain (IPR005480) of the encoded protein sequence. Five of five in-silico tools predict a damaging effect of the variant on protein function. The variant allele was found at a frequency of 4e-06 in 251012 control chromosomes. c.2407C>A has been reported in the literature in at least one compound heterozygous individual affected with suspected proximal urea cycle disorder or in an individual without reported genotype or second variant affected with Carbamoylphosphate Synthetase I Deficiency (e.g. Makris_2020, Haberle_2011). These data do not allow any conclusion about variant significance. To our knowledge, no experimental evidence demonstrating an impact on protein function has been reported. A different variant located at the same codon (c.2407C>G, p.Arg803Gly) has been classified as pathogenic in ClinVar, supporting a critical relevance of this residue to CPS1 protein function. ClinVar contains an entry for this variant (Variation ID: 203650). Based on the evidence outlined above, the variant was classified as VUS-possibly pathogenic.

GeneDx
Classification: Pathogenic. Last evaluated: 2014-01-31. Review status: criteria provided, single submitter. Criteria: GeneDx Variant Classification (06012015). Collection method: clinical testing. Allele origin: germline. Affected: yes.
Comment: p.Arg809Ser (CGT>AGT): c.2425 C>A in exon 21 of the CPS1 gene (NM_001122633.2). The R809S missense mutations in the CPS1 gene has been reported previously in association with carbamoyl phosphate synthetase I (CPSI) deficiency, as R803S when using alternate nomenclature based on an alternate reference sequence (Haberle et al., 2011). The variant is found in UCD-MET panel(s).

Literature cited by the submitters: PubMed 21120950 (cited by Women's Health and Genetics/Laboratory Corporation of America, LabCorp); PubMed 33309754 (cited by Women's Health and Genetics/Laboratory Corporation of America, LabCorp).

NM_001875.5(CPS1):c.2407C>A (p.Arg803Ser)

Gene: CPS1 (carbamoyl-phosphate synthase 1; plus strand). Cytogenetic location: 2q34.
Variant type: single nucleotide variant.
Coding change: c.2407C>A on transcript NM_001875.5 (MANE Select); coding-DNA position 2407, C replaced by A.
Protein change: p.Arg803Ser; replaces arginine 803 with serine.
Molecular consequence: missense variant. On other transcripts: non-coding transcript variant (2).
Genome position (GRCh38, 1-based): chr2:210,612,132, C>A. VCF-style: chr2-210612132-C-A. GRCh37 (hg19) VCF-style: chr2-211476856-C-A.
Other names: p.R809S:CGT>AGT; c.2407C>A (LRG_336t1); c.2407C>A, p.Arg803Ser (NM_001122633.3, NM_001369257.1); c.2440C>A, p.Arg814Ser (NM_001369256.1); short protein forms R803S, R814S.
Identifiers: ClinVar variation 203650 (VCV000203650.4), dbSNP rs201716417, ClinGen allele CA312397.